The following is an entry in ClinVar:

NM_000059.4(BRCA2):c.4079A>T (p.Asp1360Val)

Gene: BRCA2 (BRCA2 DNA repair associated; plus strand). Cytogenetic location: 13q13.1.
Variant type: single nucleotide variant.
Coding change: c.4079A>T on transcript NM_000059.4 (MANE Select); coding-DNA position 4079, A replaced by T.
Protein change: p.Asp1360Val; replaces aspartic acid 1360 with valine.
Molecular consequence: missense variant.
Genome position (GRCh38, 1-based): chr13:32,338,434, A>T. VCF-style: chr13-32338434-A-T. GRCh37 (hg19) VCF-style: chr13-32912571-A-T.
Other names: short protein forms D1360V.
Identifiers: ClinVar variation 433782 (VCV000433782.5), dbSNP rs730881529, ClinGen allele CA387779175.

ClinVar aggregate classification (germline): Conflicting classifications of pathogenicity. Review status: criteria provided, conflicting classifications (1 of 4 stars). 3 submissions from 3 submitters: Uncertain significance (1); Likely benign (1). 1 of the submissions does not count toward it. Last evaluated 2025-12-30.

Conditions:
Hereditary cancer-predisposing syndrome. Also called: Neoplastic Syndromes, Hereditary; Tumor predisposition; Hereditary neoplastic syndrome; Hereditary Cancer Syndrome. Identifiers: Orphanet 140162, MedGen C0027672, MeSH D009386, MONDO:0015356.

Allele frequency attached by ClinVar (database versions not stated): gnomAD exomes below 0.00001.
gnomAD v4.1: 2 of 1,610,976 alleles (0.00012%); highest among the groups gnomAD compares: Non-Finnish European, 0.00017%; no homozygotes.

Submissions (3):

Ambry Genetics
Classification: Uncertain significance for Hereditary cancer-predisposing syndrome. Last evaluated: 2025-12-30. Review status: criteria provided, single submitter. Criteria: Ambry Variant Classification Scheme 2023. Collection method: clinical testing. Allele origin: germline.
Comment: The p.D1360V variant (also known as c.4079A>T), located in coding exon 10 of the BRCA2 gene, results from an A to T substitution at nucleotide position 4079. The aspartic acid at codon 1360 is replaced by valine, an amino acid with highly dissimilar properties. This amino acid position is not well conserved in available vertebrate species. In addition, this alteration is predicted to be tolerated by in silico analysis. Based on the available evidence, the clinical significance of this variant remains unclear.

University of Washington Department of Laboratory Medicine, University of Washington
Classification: Likely benign for Hereditary cancer-predisposing syndrome. Last evaluated: 2023-03-23. Review status: criteria provided, single submitter. Criteria: Dines et al. (Genet Med. 2020). Collection method: curation. Allele origin: germline.
Comment: Missense variant in a coldspot region where missense variants are very unlikely to be pathogenic (PMID:31911673).

BRCA2 exon 11 coldspot. Reclassification based on statistical prior probability.

Department of Pathology and Laboratory Medicine, Sinai Health System
Classification: Uncertain significance. Review status: no assertion criteria provided. Collection method: clinical testing. Allele origin: unknown. Affected: yes. Study: The Canadian Open Genetics Repository (COGR). Not counted in ClinVar's aggregate classification.
Comment: The BRCA2, p.Asp1360Val variant was not identified in the literature, nor was it identified in the dbSNP, NHLBI Exome Sequencing Project (Exome Variant Server), Exome Aggregation Consortium (ExAC), LOVD, COSMIC, ClinVar, Clinvitae, BRCA Share (UMD), GeneInsight COGR, ARUP, or BIC databases. The variant was identified by our laboratory in 2 individuals with breast cancer. The variant was not observed by Myriad (personal communication). The p.Asp1360 residue is not conserved in mammals and computational analyses (PolyPhen-2, SIFT, AlignGVGD, BLOSUM, MutationTaster) provide inconsistent predictions regarding the impact to the protein; this information is not very predictive of pathogenicity. The c.4079A>T variant occurs outside of the splicing consensus sequence and in silico or computational prediction software programs (SpliceSiteFinder, MaxEntScan, NNSPLICE, GeneSplicer, HumanSpliceFinder) do not predict a difference in splicing. In summary, based on the above information, the clinical significance of this variant cannot be determined with certainty at this time. This variant is classified as a variant of unknown significance.